The following is an entry in ClinVar:

NM_014244.5(ADAMTS2):c.2794C>T (p.Arg932Trp)

Gene: ADAMTS2 (ADAM metallopeptidase with thrombospondin type 1 motif 2; minus strand). Cytogenetic location: 5q35.3.
Variant type: single nucleotide variant.
Coding change: c.2794C>T on transcript NM_014244.5 (MANE Select); coding-DNA position 2794, C replaced by T.
Protein change: p.Arg932Trp; replaces arginine 932 with tryptophan.
Molecular consequence: missense variant.
Genome position (GRCh38, 1-based): chr5:179,125,137, G>A on the plus strand (C>T on the coding strand, the complement: ADAMTS2 is on the minus strand). VCF-style: chr5-179125137-G-A. GRCh37 (hg19) VCF-style: chr5-178552138-G-A.
Other names: p.Arg932Trp; short protein forms R932W.
Identifiers: ClinVar variation 942644 (VCV000942644.8), dbSNP rs776975672, ClinGen allele CA3595413.

ClinVar aggregate classification (germline): Uncertain significance. Review status: criteria provided, multiple submitters, no conflicts (2 of 4 stars). 4 submissions from 4 submitters: Uncertain significance (3). 1 of the submissions does not count toward it. Last evaluated 2025-12-08.

Conditions:
Ehlers-Danlos syndrome, dermatosparaxis type. Also called: Dermatosparaxis; Ehlers-Danlos syndrome, type VII, autosomal recessive; EDS VIIC. Identifiers: Orphanet 1901, MedGen C2700425, MONDO:0009161, OMIM 225410.
Inborn genetic diseases. Identifiers: MedGen C0950123, MeSH D030342.

Allele frequency attached by ClinVar (database versions not stated): gnomAD 0.00001; gnomAD exomes 0.00001 and 0.00004; ExAC 0.00002.
gnomAD v4.1: 19 of 1,612,674 alleles (0.0012%); highest among the groups gnomAD compares: Middle Eastern, 0.016%; no homozygotes.

Submissions (4):

Ambry Genetics
Classification: Uncertain significance for Inborn genetic diseases. Last evaluated: 2025-12-08. Review status: criteria provided, single submitter. Criteria: Ambry Variant Classification Scheme 2023. Collection method: clinical testing. Allele origin: germline.

Mayo Clinic Laboratories, Mayo Clinic
Classification: Uncertain significance. Last evaluated: 2023-10-31. Review status: criteria provided, single submitter. Criteria: ACMG Guidelines, 2015. Collection method: clinical testing. Allele origin: germline. Observed: 1 variant allele.
Comment: BP4

Labcorp Genetics (formerly Invitae), Labcorp
Classification: Uncertain significance for Ehlers-Danlos syndrome, dermatosparaxis type. Last evaluated: 2021-08-27. Review status: criteria provided, single submitter. Criteria: Invitae Variant Classification Sherloc (09022015). Collection method: clinical testing. Allele origin: germline.
Comment: This sequence change replaces arginine with tryptophan at codon 932 of the ADAMTS2 protein (p.Arg932Trp). The arginine residue is highly conserved and there is a moderate physicochemical difference between arginine and tryptophan. This variant is present in population databases (rs776975672, ExAC 0.01%). This variant has not been reported in the literature in individuals affected with ADAMTS2-related conditions. Algorithms developed to predict the effect of missense changes on protein structure and function are either unavailable or do not agree on the potential impact of this missense change (SIFT: "Deleterious"; PolyPhen-2: "Benign"; Align-GVGD: "Class C35"). In summary, the available evidence is currently insufficient to determine the role of this variant in disease. Therefore, it has been classified as a Variant of Uncertain Significance.

Natera, Inc.
Classification: Uncertain significance for Ehlers-Danlos syndrome type VIIC. Last evaluated: 2020-03-15. Review status: no assertion criteria provided. Collection method: clinical testing. Allele origin: germline. Not counted in ClinVar's aggregate classification.